The following is an entry in ClinVar:

NM_004369.4(COL6A3):c.14G>A (p.Arg5Gln)

Gene: COL6A3 (collagen type VI alpha 3 chain; minus strand). Cytogenetic location: 2q37.3.
Variant type: single nucleotide variant.
Coding change: c.14G>A on transcript NM_004369.4 (MANE Select); coding-DNA position 14, G replaced by A.
Protein change: p.Arg5Gln; replaces arginine 5 with glutamine.
Molecular consequence: missense variant.
Genome position (GRCh38, 1-based): chr2:237,396,804, C>T on the plus strand (G>A on the coding strand, the complement: COL6A3 is on the minus strand). VCF-style: chr2-237396804-C-T. GRCh37 (hg19) VCF-style: chr2-238305447-C-T.
Other names: c.14G>A, p.Arg5Gln (NM_057164.5, NM_057165.5, NM_057166.5 and 1 more transcripts); short protein forms R5Q.
Identifiers: ClinVar variation 895232 (VCV000895232.13), dbSNP rs765276422, ClinGen allele CA2189971.

ClinVar aggregate classification (germline): Conflicting classifications of pathogenicity. Review status: criteria provided, conflicting classifications (1 of 4 stars). 3 submissions from 3 submitters: Uncertain significance (1); Benign (1); Likely benign (1). Last evaluated 2025-07-16.

Conditions:
Collagen 6-related myopathy. Identifiers: MedGen CN117976, MONDO:0100225.
Bethlem myopathy 1A. Also called: MYOPATHY, BENIGN CONGENITAL, WITH CONTRACTURES; Bethlem myopathy 1; Bethlem Muscular Dystrophy. Identifiers: Orphanet 610, MedGen CN029274, MONDO:0024530, OMIM 158810.

Allele frequency attached by ClinVar (database versions not stated): ExAC 0.00006; gnomAD exomes 0.00012; TOPMed 0.00017; gnomAD 0.00026.
gnomAD v4.1: 150 of 1,614,000 alleles (0.0093%); highest among the groups gnomAD compares: Admixed American, 0.093%; 1 homozygote.

Submissions (3):

Labcorp Genetics (formerly Invitae), Labcorp
Classification: Likely benign for Bethlem myopathy 1A. Last evaluated: 2025-07-16. Review status: criteria provided, single submitter. Criteria: Invitae Variant Classification Sherloc (09022015). Collection method: clinical testing. Allele origin: germline.

Revvity Omics, Revvity
Classification: Uncertain significance. Last evaluated: 2024-04-11. Review status: criteria provided, single submitter. Criteria: ACMG Guidelines, 2015. Collection method: clinical testing. Allele origin: germline.

Illumina Laboratory Services, Illumina
Classification: Benign for Collagen VI-related myopathy. Last evaluated: 2018-01-13. Review status: criteria provided, single submitter. Criteria: ICSL Variant Classification Criteria 13 December 2019. Collection method: clinical testing. Allele origin: germline.
Comment: This variant was observed in the ICSL laboratory as part of a predisposition screen in an ostensibly healthy population. It had not been previously curated by ICSL or reported in the Human Gene Mutation Database (HGMD: prior to June 1st, 2018), and was therefore a candidate for classification through an automated scoring system. Utilizing variant allele frequency, disease prevalence and penetrance estimates, and inheritance mode, an automated score was calculated to assess if this variant is too frequent to cause the disease. Based on the score and internal cut-off values, a variant classified as benign is not then subjected to further curation. The score for this variant resulted in a classification of benign for this disease.